The following is an entry in ClinVar:

ClinVar aggregate classification (germline): Uncertain significance (1 of 4 stars; one submission).

Conditions:
Primary ciliary dyskinesia. Also called: Ciliary dyskinesia. Identifiers: Orphanet 244, MedGen C0008780, MONDO:0016575, HP:0012265.

Allele frequency attached by ClinVar (database versions not stated): TOPMed below 0.00001.

Submission:

Labcorp Genetics (formerly Invitae), Labcorp
Classification: Uncertain significance for Primary ciliary dyskinesia. Last evaluated: 2020-03-02. Review status: criteria provided, single submitter. Criteria: Invitae Variant Classification Sherloc (09022015). Collection method: clinical testing. Allele origin: germline.
Comment: This variant has not been reported in the literature in individuals with DNAH11-related conditions. In summary, the available evidence is currently insufficient to determine the role of this variant in disease. Therefore, it has been classified as a Variant of Uncertain Significance. Algorithms developed to predict the effect of missense changes on protein structure and function (SIFT, PolyPhen-2, Align-GVGD) all suggest that this variant is likely to be tolerated, but these predictions have not been confirmed by published functional studies and their clinical significance is uncertain. This variant is not present in population databases (ExAC no frequency). This sequence change replaces threonine with serine at codon 3970 of the DNAH11 protein (p.Thr3970Ser). The threonine residue is weakly conserved and there is a small physicochemical difference between threonine and serine.

NM_001277115.2(DNAH11):c.11908A>T (p.Thr3970Ser)

Gene: DNAH11 (dynein axonemal heavy chain 11; plus strand). Cytogenetic location: 7p15.3.
Variant type: single nucleotide variant.
Coding change: c.11908A>T on transcript NM_001277115.2 (MANE Select); coding-DNA position 11908, A replaced by T.
Protein change: p.Thr3970Ser; replaces threonine 3970 with serine.
Molecular consequence: missense variant.
Genome position (GRCh38, 1-based): chr7:21,868,932, A>T. VCF-style: chr7-21868932-A-T. GRCh37 (hg19) VCF-style: chr7-21908550-A-T.
Other names: short protein forms T3970S.
Identifiers: ClinVar variation 1051355 (VCV001051355.9), dbSNP rs974613459, ClinGen allele CA155143522.